The following is an entry in ClinVar:

NM_018060.4(IARS2):c.2752A>G (p.Met918Val)

Gene: IARS2 (isoleucyl-tRNA synthetase 2, mitochondrial; plus strand). Cytogenetic location: 1q41.
Variant type: single nucleotide variant.
Coding change: c.2752A>G on transcript NM_018060.4 (MANE Select); coding-DNA position 2752, A replaced by G.
Protein change: p.Met918Val; replaces methionine 918 with valine.
Molecular consequence: missense variant.
Genome position (GRCh38, 1-based): chr1:220,145,509, A>G. VCF-style: chr1-220145509-A-G. GRCh37 (hg19) VCF-style: chr1-220318851-A-G.
Other names: short protein forms M918V.
Identifiers: ClinVar variation 1356354 (VCV001356354.5), dbSNP rs762550728, ClinGen allele CA1401854.

ClinVar aggregate classification (germline): Uncertain significance (1 of 4 stars; one submission).

Allele frequency attached by ClinVar (database versions not stated): gnomAD 0.00001; TOPMed 0.00003.
gnomAD v4.1: 15 of 1,602,396 alleles (0.00094%); highest among the groups gnomAD compares: Admixed American, 0.024%; no homozygotes.

Submission:

Labcorp Genetics (formerly Invitae), Labcorp
Classification: Uncertain significance. Last evaluated: 2021-11-15. Review status: criteria provided, single submitter. Criteria: Invitae Variant Classification Sherloc (09022015). Collection method: clinical testing. Allele origin: germline.
Comment: This sequence change replaces methionine, which is neutral and non-polar, with valine, which is neutral and non-polar, at codon 918 of the IARS2 protein (p.Met918Val). This variant is present in population databases (rs762550728, gnomAD 0.04%). This variant has not been reported in the literature in individuals affected with IARS2-related conditions. Algorithms developed to predict the effect of missense changes on protein structure and function (SIFT, PolyPhen-2, Align-GVGD) all suggest that this variant is likely to be tolerated. Algorithms developed to predict the effect of sequence changes on RNA splicing suggest that this variant may create or strengthen a splice site. In summary, the available evidence is currently insufficient to determine the role of this variant in disease. Therefore, it has been classified as a Variant of Uncertain Significance.